The following is an entry in ClinVar:

NM_004380.3(CREBBP):c.4944C>A (p.Pro1648=)

Gene: CREBBP (CREB binding lysine acetyltransferase; minus strand). Cytogenetic location: 16p13.3.
Variant type: single nucleotide variant.
Coding change: c.4944C>A on transcript NM_004380.3 (MANE Select); coding-DNA position 4944, C replaced by A.
Protein change: p.Pro1648=; no amino-acid change (proline 1648 retained).
Molecular consequence: synonymous variant.
Genome position (GRCh38, 1-based): chr16:3,731,420, G>T on the plus strand (C>A on the coding strand, the complement: CREBBP is on the minus strand). VCF-style: chr16-3731420-G-T. GRCh37 (hg19) VCF-style: chr16-3781421-G-T.
Other names: c.4830C>A, p.Pro1610= (NM_001079846.1).
Identifiers: ClinVar variation 589717 (VCV000589717.13), dbSNP rs375829291, ClinGen allele CA7869376.

ClinVar aggregate classification (germline): Likely benign. Review status: criteria provided, multiple submitters, no conflicts (2 of 4 stars). 4 submissions from 4 submitters: Likely benign (3). 1 of the submissions does not count toward it. Last evaluated 2025-12-15.

Conditions:
Rubinstein-Taybi syndrome (RSTS). Identifiers: Orphanet 783, MedGen C0035934, MONDO:0019188.
Inborn genetic diseases. Identifiers: MedGen C0950123, MeSH D030342.
CREBBP-related disorder. Also called: CREBBP-related disorders; CREBBP-related condition.

Allele frequency attached by ClinVar (database versions not stated): TOPMed 0.00002.
gnomAD v4.1: 55 of 1,604,088 alleles (0.0034%); highest among the groups gnomAD compares: Non-Finnish European, 0.0043%; 1 homozygote.

Submissions (4):

Labcorp Genetics (formerly Invitae), Labcorp
Classification: Likely benign for Rubinstein-Taybi syndrome. Last evaluated: 2025-12-15. Review status: criteria provided, single submitter. Criteria: Invitae Variant Classification Sherloc (09022015). Collection method: clinical testing. Allele origin: germline.

Blueprint Genetics
Classification: Likely benign. Last evaluated: 2021-12-27. Review status: criteria provided, single submitter. Criteria: ACMG Guidelines, 2015. Collection method: clinical testing. Allele origin: germline.

Ambry Genetics
Classification: Likely benign for Inborn genetic diseases. Last evaluated: 2016-12-08. Review status: criteria provided, single submitter. Criteria: Ambry Variant Classification Scheme 2023. Collection method: clinical testing. Allele origin: germline.

PreventionGenetics, part of Exact Sciences
Classification: Likely benign for CREBBP-related condition. Last evaluated: 2023-08-18. Review status: no assertion criteria provided. Collection method: clinical testing. Allele origin: germline. Not counted in ClinVar's aggregate classification.
Comment: This variant is classified as likely benign based on ACMG/AMP sequence variant interpretation guidelines (Richards et al. 2015 PMID: 25741868, with internal and published modifications).